The following is an entry in ClinVar:

ClinVar aggregate classification (germline): Uncertain significance (1 of 4 stars; one submission).

Submission:

CeGaT Center for Human Genetics Tuebingen
Classification: Uncertain significance. Last evaluated: 2023-02-01. Review status: criteria provided, single submitter. Criteria: CeGaT Center For Human Genetics Tuebingen Variant Classification Criteria Version 2. Collection method: clinical testing. Allele origin: germline. Affected: yes. Observed: 1 variant allele.
Comment: TTN: PM2, BP4

NM_001267550.2(TTN):c.25795T>G (p.Ser8599Ala)

Gene: TTN (titin; minus strand). Cytogenetic location: 2q31.2.
Variant type: single nucleotide variant.
Coding change: c.25795T>G on transcript NM_001267550.2 (MANE Select); coding-DNA position 25795, T replaced by G.
Protein change: p.Ser8599Ala; replaces serine 8599 with alanine.
Molecular consequence: missense variant. On other transcripts: intron variant (3).
Genome position (GRCh38, 1-based): chr2:178,715,619, A>C on the plus strand (T>G on the coding strand, the complement: TTN is on the minus strand). VCF-style: chr2-178715619-A-C. GRCh37 (hg19) VCF-style: chr2-179580346-A-C.
Other names: c.24844T>G, p.Ser8282Ala (NM_001256850.1); c.22063T>G, p.Ser7355Ala (NM_133378.4); c.13282+22463T>G (NM_003319.4); c.13858+22463T>G (NM_133437.4); c.13657+22463T>G (NM_133432.3); short protein forms S7355A, S8282A, S8599A.
Identifiers: ClinVar variation 2651678 (VCV002651678.24), dbSNP rs2529116309, ClinGen allele CA349478903.